The following is an entry in ClinVar:

ClinVar aggregate classification (germline): Pathogenic/Likely pathogenic. Review status: criteria provided, multiple submitters, no conflicts (2 of 4 stars). 5 submissions from 5 submitters: Pathogenic (1); Likely pathogenic (3). 1 of the submissions does not count toward it. Last evaluated 2025-10-16.

Conditions:
Autosomal recessive nonsyndromic hearing loss 23. Identifiers: Orphanet 90636, MedGen C1836027, MONDO:0012293, OMIM 609533.
Usher syndrome type 1F (USH1F). Also called: USHER SYNDROME, TYPE IF. Identifiers: Orphanet 231169, Orphanet 886, MedGen C1865885, MONDO:0011186, OMIM 602083.
Usher syndrome type 1D (USH1D). Also called: USHER SYNDROME, TYPE ID. Identifiers: Orphanet 231169, Orphanet 886, MedGen C1832845, MONDO:0010984, OMIM 601067.

Submissions (5):

Natera, Inc.
Classification: Likely pathogenic for Usher syndrome type 1F. Last evaluated: 2025-10-16. Review status: criteria provided, single submitter. Criteria: Natera Variant Classification Schema (03/2026). Collection method: clinical testing. Allele origin: germline.
Comment: The c.358_359delTG variant in PCDH15 is a frameshift variant predicted to shift the reading frame beginning at codon 120 and leads to a stop codon 12 codons downstream. This variant is expected to result in nonsense mediated decay, truncation, or a dysfunctional protein product. This variant is rare in the general population with a frequency below the threshold expected for the associated phenotype(s). Given the available evidence, this variant is classified as Likely Pathogenic.

Labcorp Genetics (formerly Invitae), Labcorp
Classification: Pathogenic. Last evaluated: 2024-08-05. Review status: criteria provided, single submitter. Criteria: Invitae Variant Classification Sherloc (09022015). Collection method: clinical testing. Allele origin: germline.
Comment: This sequence change creates a premature translational stop signal (p.Cys120Hisfs*12) in the PCDH15 gene. It is expected to result in an absent or disrupted protein product. Loss-of-function variants in PCDH15 are known to be pathogenic (PMID: 11398101, 11487575, 14570705). This variant is not present in population databases (gnomAD no frequency). This variant has not been reported in the literature in individuals affected with PCDH15-related conditions. ClinVar contains an entry for this variant (Variation ID: 371430). Algorithms developed to predict the effect of sequence changes on RNA splicing suggest that this variant may disrupt the consensus splice site. For these reasons, this variant has been classified as Pathogenic.

Fulgent Genetics
Classification: Likely pathogenic for Usher syndrome type 1D; Usher syndrome type 1F; Autosomal recessive nonsyndromic hearing loss 23. Last evaluated: 2024-04-02. Review status: criteria provided, single submitter. Criteria: ACMG Guidelines, 2015. Collection method: clinical testing. Allele origin: germline.

Baylor Genetics
Classification: Likely pathogenic for Autosomal recessive nonsyndromic hearing loss 23. Last evaluated: 2023-03-15. Review status: criteria provided, single submitter. Criteria: ACMG Guidelines, 2015. Collection method: clinical testing. Allele origin: unknown.

Counsyl
Classification: Likely pathogenic for Usher syndrome type 1F. Last evaluated: 2016-09-23. Review status: no assertion criteria provided. Collection method: clinical testing. Allele origin: unknown. Not counted in ClinVar's aggregate classification.

Literature cited by the submitters: PubMed 11398101 (cited by Labcorp Genetics (formerly Invitae), Labcorp); PubMed 11487575 (cited by Labcorp Genetics (formerly Invitae), Labcorp); PubMed 14570705 (cited by Labcorp Genetics (formerly Invitae), Labcorp).

NM_001384140.1(PCDH15):c.358_359del (p.Cys120fs)

Gene: PCDH15 (protocadherin related 15; minus strand). Cytogenetic location: 10q21.1.
Variant type: Deletion.
Coding change: c.358_359del on transcript NM_001384140.1 (MANE Select); coding-DNA positions 358 to 359, 2 bases deleted (TG; older notation c.358_359delTG).
Protein change: p.Cys120fs; shifts the reading frame from cysteine 120.
Molecular consequence: frameshift variant.
Genome position (GRCh38, 1-based): chr10:54,369,235-54,369,236, CA deleted on the plus strand (TG on the coding strand, the reverse complement: PCDH15 is on the minus strand); deleting any 2 consecutive bases within chr10:54,369,235-54,369,237 gives the same sequence; the c. name uses the placement nearest the transcript's 3' end. VCF-style (leftmost placement, unchanged base first): chr10-54369234-GCA-G. GRCh37 (hg19) VCF-style: chr10-56128994-GCA-G.
Other names: c.358_359del (NM_033056.3); c.373_374del, p.Cys125fs (NM_001142763.2, NM_001142771.2); c.358_359del, p.Cys120fs (NM_001142764.2, NM_001142765.2, NM_001142766.2 and 8 more transcripts); c.292_293del, p.Cys98fs (NM_001142768.2, NM_001142773.2, NM_001354404.2); c.372_373delGT, p.Cys125Hisfs (NM_001142769.4); short protein forms C120fs, C98fs, C125fs.
Identifiers: ClinVar variation 371430 (VCV000371430.13), dbSNP rs1057517264, ClinGen allele CA16041379.